The following is an entry in ClinVar:

NM_005359.6(SMAD4):c.799A>C (p.Thr267Pro)

Gene: SMAD4 (SMAD family member 4; plus strand). Cytogenetic location: 18q21.2.
Variant type: single nucleotide variant.
Coding change: c.799A>C on transcript NM_005359.6 (MANE Select); coding-DNA position 799, A replaced by C.
Protein change: p.Thr267Pro; replaces threonine 267 with proline.
Molecular consequence: missense variant.
Genome position (GRCh38, 1-based): chr18:51,058,351, A>C. VCF-style: chr18-51058351-A-C. GRCh37 (hg19) VCF-style: chr18-48584721-A-C.
Other names: short protein forms T267P.
Identifiers: ClinVar variation 419215 (VCV000419215.11), dbSNP rs1064793728, ClinGen allele CA16620704.

ClinVar aggregate classification (germline): Uncertain significance. Review status: criteria provided, multiple submitters, no conflicts (2 of 4 stars). 3 submissions from 3 submitters: Uncertain significance (3). Last evaluated 2022-02-14.

Conditions:
Juvenile polyposis syndrome (JPS). Identifiers: Orphanet 2929, MedGen C0345893, MONDO:0017380, OMIM 174900.
Hereditary cancer-predisposing syndrome. Also called: Hereditary neoplastic syndrome; Hereditary Cancer Syndrome; Neoplastic Syndromes, Hereditary; Tumor predisposition. Identifiers: Orphanet 140162, MedGen C0027672, MeSH D009386, MONDO:0015356.

Submissions (3):

Sema4
Classification: Uncertain significance for Hereditary cancer-predisposing syndrome. Last evaluated: 2022-02-14. Review status: criteria provided, single submitter. Criteria: Sema4 Curation Guidelines. Collection method: curation. Allele origin: germline.
Comment: The SMAD4 c.799A>C (p.T267P) variant has not been reported in the literature to our knowledge. It was not observed in the large and broad cohorts of the Genome Aggregation Database (PMID: 32461654). The variant has been reported in ClinVar (Variation ID: 419215). Functional studies have not been performed, and in silico predictions of the variant's effect on protein function are inconclusive. The evidence is insufficient to meet ACMG/AMP criteria for classifying the variant as benign or pathogenic. Thus, the clinical significance of this variant is currently uncertain.

Labcorp Genetics (formerly Invitae), Labcorp
Classification: Uncertain significance for Juvenile polyposis syndrome. Last evaluated: 2021-07-01. Review status: criteria provided, single submitter. Criteria: Invitae Variant Classification Sherloc (09022015). Collection method: clinical testing. Allele origin: germline.
Comment: In summary, the available evidence is currently insufficient to determine the role of this variant in disease. Therefore, it has been classified as a Variant of Uncertain Significance. Advanced modeling of protein sequence and biophysical properties (such as structural, functional, and spatial information, amino acid conservation, physicochemical variation, residue mobility, and thermodynamic stability) performed at Invitae indicates that this missense variant is not expected to disrupt SMAD4 protein function. ClinVar contains an entry for this variant (Variation ID: 419215). This variant has not been reported in the literature in individuals affected with SMAD4-related conditions. This variant is not present in population databases (ExAC no frequency). This sequence change replaces threonine with proline at codon 267 of the SMAD4 protein (p.Thr267Pro). The threonine residue is moderately conserved and there is a small physicochemical difference between threonine and proline.

GeneDx
Classification: Uncertain significance. Last evaluated: 2015-06-15. Review status: criteria provided, single submitter. Criteria: GeneDx Variant Classification (06012015). Collection method: clinical testing. Allele origin: germline. Affected: yes.
Comment: This variant is denoted SMAD4 c.799A>C at the cDNA level, p.Thr267Pro (T267P) at the protein level, and results in the change of a Threonine to a Proline (ACC>CCC). This variant has not, to our knowledge, been published in the literature as pathogenic or benign. SMAD4 Thr267Pro was not observed in approximately 6,500 individuals of European and African American ancestry in the NHLBI Exome Sequencing Project, indicating it is not a common benign variant in these populations. Since Threonine and Proline differ in polarity, charge, size or other properties, this is considered a non-conservative amino acid substitution. SMAD4 Thr267Pro occurs at a position where amino acids with properties similar to Threonine are tolerated across species and is not located in a known functional domain (Uniprot). In silico analyses are inconsistent regarding the effect this variant may have on protein structure and function. Based on currently available information, it is unclear whether SMAD4 Thr267Pro is pathogenic or benign. We consider it to be a variant of uncertain significance.